The following is an entry in ClinVar:

NM_000238.4(KCNH2):c.912C>A (p.Ser304Arg)

Gene: KCNH2 (potassium voltage-gated channel subfamily H member 2; minus strand). Cytogenetic location: 7q36.1.
Variant type: single nucleotide variant.
Coding change: c.912C>A on transcript NM_000238.4 (MANE Select); coding-DNA position 912, C replaced by A.
Protein change: p.Ser304Arg; replaces serine 304 with arginine.
Molecular consequence: missense variant.
Genome position (GRCh38, 1-based): chr7:150,958,063, G>T on the plus strand (C>A on the coding strand, the complement: KCNH2 is on the minus strand). VCF-style: chr7-150958063-G-T. GRCh37 (hg19) VCF-style: chr7-150655151-G-T.
Other names: c.624C>A, p.Ser208Arg (NM_001406753.1, NM_001406756.1); c.735C>A, p.Ser245Arg (NM_001406755.1); c.612C>A, p.Ser204Arg (NM_001406757.1); c.912C>A, p.Ser304Arg (NM_172056.3); short protein forms S304R, S204R, S245R, S208R.
Identifiers: ClinVar variation 1492744 (VCV001492744.6), dbSNP rs1801436652, ClinGen allele CA369862050.

ClinVar aggregate classification (germline): Uncertain significance (1 of 4 stars; one submission).

Conditions:
Long QT syndrome (LQTS). Identifiers: MedGen C0023976, MeSH D008133, MONDO:0002442. Disease mechanism: loss of function. Inheritance: Various modes of inheritance.

Allele frequency attached by ClinVar (database versions not stated): TOPMed below 0.00001; gnomAD exomes 0.00001.

Submission:

Labcorp Genetics (formerly Invitae), Labcorp
Classification: Uncertain significance for Long QT syndrome. Last evaluated: 2021-09-01. Review status: criteria provided, single submitter. Criteria: Invitae Variant Classification Sherloc (09022015). Collection method: clinical testing. Allele origin: germline.
Comment: This sequence change replaces serine with arginine at codon 304 of the KCNH2 protein (p.Ser304Arg). The serine residue is weakly conserved and there is a moderate physicochemical difference between serine and arginine. The frequency data for this variant in the population databases is considered unreliable, as metrics indicate insufficient coverage at this position in the ExAC database. This variant has not been reported in the literature in individuals affected with KCNH2-related conditions. Algorithms developed to predict the effect of missense changes on protein structure and function (SIFT, PolyPhen-2, Align-GVGD) all suggest that this variant is likely to be tolerated. In summary, the available evidence is currently insufficient to determine the role of this variant in disease. Therefore, it has been classified as a Variant of Uncertain Significance.